The following is an entry in ClinVar:

ClinVar aggregate classification (germline): Benign/Likely benign. Review status: criteria provided, multiple submitters, no conflicts (2 of 4 stars). 4 submissions from 4 submitters: Benign (2); Likely benign (2). Last evaluated 2026-01-11.

Conditions:
Charcot-Marie-Tooth disease. Also called: Charcot-Marie-Tooth Neuropathy; Charcot-Marie-Tooth Hereditary Neuropathy. Identifiers: Orphanet 166, MedGen C0007959, MONDO:0015626.
Charcot-Marie-Tooth disease type 4. Also called: Charcot-Marie-Tooth, Type 4; Charcot-Marie-Tooth disease, type IV. Identifiers: Orphanet 64749, MedGen C4082197, MONDO:0018995.
Charcot-Marie-Tooth disease type 4F. Also called: Charcot-Marie-Tooth disease, demyelinating, type 4F. Identifiers: Orphanet 99952, MedGen C3540453, MONDO:0013959, OMIM 614895.

Allele frequency attached by ClinVar (database versions not stated): gnomAD exomes 0.00032 and 0.00072; ExAC 0.00220; gnomAD 0.00281 and 0.00292; ESP Exome Variant Server 0.00304; TOPMed 0.00315; 1000 Genomes Project 0.00319; 1000 Genomes Project 30x 0.00375.

Submissions (4):

Labcorp Genetics (formerly Invitae), Labcorp
Classification: Benign for Charcot-Marie-Tooth disease type 4. Last evaluated: 2026-01-11. Review status: criteria provided, single submitter. Criteria: Invitae Variant Classification Sherloc (09022015). Collection method: clinical testing. Allele origin: germline.

GeneDx
Classification: Likely benign. Last evaluated: 2019-05-14. Review status: criteria provided, single submitter. Criteria: GeneDx Variant Classification Process June 2021. Collection method: clinical testing. Allele origin: germline. Affected: yes.

Illumina Laboratory Services, Illumina
Classification: Benign for Charcot-Marie-Tooth disease type 4F. Last evaluated: 2018-01-13. Review status: criteria provided, single submitter. Criteria: ICSL Variant Classification Criteria 13 December 2019. Collection method: clinical testing. Allele origin: germline.
Comment: This variant was observed in the ICSL laboratory as part of a predisposition screen in an ostensibly healthy population. It had not been previously curated by ICSL or reported in the Human Gene Mutation Database (HGMD: prior to June 1st, 2018), and was therefore a candidate for classification through an automated scoring system. Utilizing variant allele frequency, disease prevalence and penetrance estimates, and inheritance mode, an automated score was calculated to assess if this variant is too frequent to cause the disease. Based on the score and internal cut-off values, a variant classified as benign is not then subjected to further curation. The score for this variant resulted in a classification of benign for this disease.

Molecular Genetics Laboratory, London Health Sciences Centre
Classification: Likely benign for Charcot-Marie-Tooth disease. Review status: criteria provided, single submitter. Criteria: ACMG Guidelines, 2015. Collection method: clinical testing. Allele origin: germline. Affected: yes.

NM_181882.3(PRX):c.554G>A (p.Arg185His)

Gene: PRX (periaxin; minus strand). Cytogenetic location: 19q13.2.
Variant type: single nucleotide variant.
Coding change: c.554G>A on transcript NM_181882.3 (MANE Select); coding-DNA position 554, G replaced by A.
Protein change: p.Arg185His; replaces arginine 185 with histidine.
Molecular consequence: missense variant. On other transcripts: 3 prime UTR variant (1).
Genome position (GRCh38, 1-based): chr19:40,397,798, C>T on the plus strand (G>A on the coding strand, the complement: PRX is on the minus strand). VCF-style: chr19-40397798-C-T. GRCh37 (hg19) VCF-style: chr19-40903705-C-T.
Other names: c.*759G>A (NM_020956.2); short protein forms R185H.
Identifiers: ClinVar variation 329284 (VCV000329284.19), dbSNP rs76756143, ClinGen allele CA9444432.
Genomic context (GRCh38, chr19:40,397,798, plus strand): 5'-GCTGCCTGAGCCTCTTCGGCCACTTCTCGTACACGCAGCCGAGGCAGCTGGAGGCGCCGG[C>T]GGGCAGGGGCAGCCGGGACAGGACCCTTGACAGCCTCGGCTTTGAGGCCCCGACGCAGGC-3'
Protein context (NP_870998.2, residues 175-195): VKGPVPAAPA[Arg185His]RRLQLPRLRV